The following is an entry in ClinVar:

ClinVar aggregate classification (germline): Pathogenic (1 of 4 stars; one submission).

Conditions:
Congenital disorder of deglycosylation (CDDG). Identifiers: MedGen C3808991, MONDO:0031376.

Submission:

Labcorp Genetics (formerly Invitae), Labcorp
Classification: Pathogenic for Congenital disorder of deglycosylation. Last evaluated: 2024-11-18. Review status: criteria provided, single submitter. Criteria: Invitae Variant Classification Sherloc (09022015). Collection method: clinical testing. Allele origin: germline.
Comment: This sequence change creates a premature translational stop signal (p.Leu6Profs*111) in the NGLY1 gene. It is expected to result in an absent or disrupted protein product. Loss-of-function variants in NGLY1 are known to be pathogenic (PMID: 24651605). This variant is not present in population databases (gnomAD no frequency). This variant has not been reported in the literature in individuals affected with NGLY1-related conditions. For these reasons, this variant has been classified as Pathogenic.

Literature cited by the submitters: PubMed 24651605.

NM_018297.4(NGLY1):c.14_15insGCCCGCTGGCGCTCAAGCATGGCGGCGGCGGCGGC (p.Leu6fs)

Gene: NGLY1 (N-glycanase 1; minus strand). Cytogenetic location: 3p24.2.
Variant type: Microsatellite.
Coding change: c.14_15insGCCCGCTGGCGCTCAAGCATGGCGGCGGCGGCGGC on transcript NM_018297.4 (MANE Select); coding-DNA positions 14 to 15, GCCCGCTGGCGCTCAAGCATGGCGGCGGCGGCGGC inserted.
Protein change: p.Leu6fs; shifts the reading frame from leucine 6.
Molecular consequence: frameshift variant, initiator codon variant. On other transcripts: intron variant (1).
Genome position: GRCh38: chr3:25,783,377-25,783,388. GRCh37 (hg19): chr3:25,824,868-25,824,879.
Other names: c.14_15insGCCCGCTGGCGCTCAAGCATGGCGGCGGCGGCGGC, p.Leu6fs (NM_001145293.2, NM_001145295.2); c.6-4689_6-4688insGGCGGCGGCGGCGCCCGCTGGCGCTCAAGCATGGC (NM_001145294.2); short protein forms L6fs.
Identifiers: ClinVar variation 1955467 (VCV001955467.6), dbSNP rs753912717.